The following is an entry in ClinVar:

NM_017654.4(SAMD9):c.4247G>A (p.Arg1416Gln)

Gene: SAMD9 (sterile alpha motif domain containing 9; minus strand). Cytogenetic location: 7q21.2.
Variant type: single nucleotide variant.
Coding change: c.4247G>A on transcript NM_017654.4 (MANE Select); coding-DNA position 4247, G replaced by A.
Protein change: p.Arg1416Gln; replaces arginine 1416 with glutamine.
Molecular consequence: missense variant.
Genome position (GRCh38, 1-based): chr7:93,101,851, C>T on the plus strand (G>A on the coding strand, the complement: SAMD9 is on the minus strand). VCF-style: chr7-93101851-C-T. GRCh37 (hg19) VCF-style: chr7-92731164-C-T.
Other names: c.4247G>A, p.Arg1416Gln (NM_001193307.2); short protein forms R1416Q.
Identifiers: ClinVar variation 4824712 (VCV004824712.1).

ClinVar aggregate classification (germline): Uncertain significance (1 of 4 stars; one submission).

Conditions:
Inborn genetic diseases. Identifiers: MedGen C0950123, MeSH D030342.

gnomAD v4.1: 2 of 1,613,798 alleles (0.00012%); highest among the groups gnomAD compares: Non-Finnish European, 0.00017%; no homozygotes.

Submission:

Ambry Genetics
Classification: Uncertain significance for Inborn genetic diseases. Last evaluated: 2026-02-19. Review status: criteria provided, single submitter. Criteria: Ambry Variant Classification Scheme 2023. Collection method: clinical testing. Allele origin: germline.
Comment: The p.R1416Q variant (also known as c.4247G>A), located in coding exon 1 of the SAMD9 gene, results from a G to A substitution at nucleotide position 4247. The arginine at codon 1416 is replaced by glutamine, an amino acid with highly similar properties. This amino acid position is conserved. In addition, this alteration is predicted to be tolerated by in silico analysis. Based on the available evidence, the clinical significance of this variant remains unclear.